The following is an entry in ClinVar:

NM_001101362.3(KBTBD13):c.*41C>T

Gene: KBTBD13 (kelch repeat and BTB domain containing 13; plus strand). Cytogenetic location: 15q22.31.
Variant type: single nucleotide variant.
Coding change: c.*41C>T on transcript NM_001101362.3 (MANE Select); 41 bases downstream of the stop codon, C replaced by T.
Molecular consequence: 3 prime UTR variant.
Genome position (GRCh38, 1-based): chr15:65,078,233, C>T. VCF-style: chr15-65078233-C-T. GRCh37 (hg19) VCF-style: chr15-65370571-C-T.
Identifiers: ClinVar variation 316753 (VCV000316753.5), dbSNP rs185053492, ClinGen allele CA7614130.

ClinVar aggregate classification (germline): Likely benign (1 of 4 stars; one submission).

Conditions:
Nemaline myopathy 6 (NEM6). Also called: Nemaline myopathy 6, autosomal dominant. Identifiers: Orphanet 171439, MedGen C1836472, MONDO:0012237, OMIM 609273.

Allele frequency attached by ClinVar (database versions not stated): gnomAD exomes 0.00005 and 0.00023; ExAC 0.00009; TOPMed 0.00013; gnomAD 0.00016 and 0.00024; 1000 Genomes Project 0.00060; 1000 Genomes Project 30x 0.00062.

Submission:

Illumina Laboratory Services, Illumina
Classification: Likely benign for Nemaline myopathy 6. Last evaluated: 2017-04-27. Review status: criteria provided, single submitter. Criteria: ICSL Variant Classification Criteria 13 December 2019. Collection method: clinical testing. Allele origin: germline.
Comment: This variant was observed as part of a predisposition screen in an ostensibly healthy population. A literature search was performed for the gene, cDNA change, and amino acid change (where applicable). No publications were found based on this search. Allele frequency data from public databases allowed determination this variant is unlikely to cause disease. Therefore, this variant is classified as likely benign.